The following is an entry in ClinVar:

ClinVar aggregate classification (germline): Uncertain significance. Review status: criteria provided, single submitter (1 of 4 stars). 2 submissions from 2 submitters: Uncertain significance (1). 1 of the submissions does not count toward it. Last evaluated 2022-07-25.

Conditions:
Charcot-Marie-Tooth disease axonal type 2K (CMT2K). Also called: CHARCOT-MARIE-TOOTH DISEASE, AXONAL, AUTOSOMAL RECESSIVE, TYPE 2K; CHARCOT-MARIE-TOOTH NEUROPATHY, AXONAL, TYPE 2K; Charcot-Marie-Tooth disease type 2K. Identifiers: Orphanet 101097, Orphanet 99944, MedGen C1842983, MONDO:0011916, OMIM 607831.
Charcot-Marie-Tooth disease type 4A. Also called: Charcot-Marie-Tooth disease, demyelinating, autosomal recessive, type 4a. Identifiers: Orphanet 99948, MedGen C1859198, MONDO:0008961, OMIM 214400.

gnomAD v4.1: 1 of 1,613,916 alleles (0.000062%); highest among the groups gnomAD compares: Non-Finnish European, 0.000085%; no homozygotes.

Submissions (2):

Labcorp Genetics (formerly Invitae), Labcorp
Classification: Uncertain significance for Charcot-Marie-Tooth disease type 4A. Last evaluated: 2022-07-25. Review status: criteria provided, single submitter. Criteria: Invitae Variant Classification Sherloc (09022015). Collection method: clinical testing. Allele origin: germline.
Comment: In summary, the available evidence is currently insufficient to determine the role of this variant in disease. Therefore, it has been classified as a Variant of Uncertain Significance. Advanced modeling of protein sequence and biophysical properties (such as structural, functional, and spatial information, amino acid conservation, physicochemical variation, residue mobility, and thermodynamic stability) performed at Invitae indicates that this missense variant is expected to disrupt GDAP1 protein function. ClinVar contains an entry for this variant (Variation ID: 1036539). This variant has not been reported in the literature in individuals affected with GDAP1-related conditions. This variant is not present in population databases (gnomAD no frequency). This sequence change replaces aspartic acid, which is acidic and polar, with glycine, which is neutral and non-polar, at codon 149 of the GDAP1 protein (p.Asp149Gly).

Clinical Genetics Laboratory, University Hospital Schleswig-Holstein
Classification: Uncertain significance for Charcot-Marie-Tooth disease axonal type 2K. Last evaluated: 2021-11-02. Review status: no assertion criteria provided. Collection method: clinical testing. Allele origin: germline. Affected: yes. Not counted in ClinVar's aggregate classification.

NM_018972.4(GDAP1):c.446A>G (p.Asp149Gly)

Gene: GDAP1 (ganglioside induced differentiation associated protein 1; plus strand). Cytogenetic location: 8q21.11.
Variant type: single nucleotide variant.
Coding change: c.446A>G on transcript NM_018972.4 (MANE Select); coding-DNA position 446, A replaced by G.
Protein change: p.Asp149Gly; replaces aspartic acid 149 with glycine.
Molecular consequence: missense variant. On other transcripts: intron variant (1).
Genome position (GRCh38, 1-based): chr8:74,360,272, A>G. VCF-style: chr8-74360272-A-G. GRCh37 (hg19) VCF-style: chr8-75272507-A-G.
Other names: c.242A>G, p.Asp81Gly (NM_001040875.4); c.119A>G, p.Asp40Gly (NM_001362929.2, NM_001362932.2); c.446A>G, p.Asp149Gly (NM_001362931.2); c.311-1612A>G (NM_001362930.2); short protein forms D81G, D149G, D40G.
Identifiers: ClinVar variation 1036539 (VCV001036539.11), dbSNP rs1586803296, ClinGen allele CA371548885.
Genomic context (GRCh38, chr8:74,360,272, plus strand): 5'-ACTCCTTGCCAATGGATGCCTATACACATGGCTGCATTTTACATCCTGAGTTAACTGTGG[A>G]CTCCATGATCCCGGCTTATGCAACTACAAGGATTCGTAGTATGTAAACATTTTAAAGACC-3'
Protein context (NP_061845.2, residues 139-159): GCILHPELTV[Asp149Gly]SMIPAYATTR